The following is an entry in ClinVar:

ClinVar aggregate classification (germline): Uncertain significance (1 of 4 stars; one submission).

Conditions:
Neuropathy, hereditary sensory and autonomic, type 2A (HSAN2A). Also called: HSAN IIA; WNK1-Related HSAN2 (HSAN2A); MORVAN DISEASE; NEUROPATHY, CONGENITAL SENSORY; NEUROPATHY, HEREDITARY SENSORY RADICULAR, AUTOSOMAL RECESSIVE; NEUROPATHY, HEREDITARY SENSORY, TYPE IIA. Identifiers: Orphanet 970, MedGen C2752089, MONDO:0024309, OMIM 201300.
Generalized epilepsy with febrile seizures plus, type 7 (GEFSP7). Also called: GEFS+, TYPE 7. Identifiers: Orphanet 36387, MedGen C2751778, MONDO:0013470, OMIM 613863.

Submission:

Labcorp Genetics (formerly Invitae), Labcorp
Classification: Uncertain significance for Neuropathy, hereditary sensory and autonomic, type 2A; Generalized epilepsy with febrile seizures plus, type 7. Last evaluated: 2025-11-03. Review status: criteria provided, single submitter. Criteria: Invitae Variant Classification Sherloc (09022015). Collection method: clinical testing. Allele origin: germline.
Comment: This sequence change replaces valine, which is neutral and non-polar, with methionine, which is neutral and non-polar, at codon 1552 of the SCN9A protein (p.Val1552Met). This variant is not present in population databases (gnomAD no frequency). This variant has not been reported in the literature in individuals affected with SCN9A-related conditions. Invitae Evidence Modeling of protein sequence and biophysical properties (such as structural, functional, and spatial information, amino acid conservation, physicochemical variation, residue mobility, and thermodynamic stability) indicates that this missense variant is not expected to disrupt SCN9A protein function with a negative predictive value of 95%. In summary, the available evidence is currently insufficient to determine the role of this variant in disease. Therefore, it has been classified as a Variant of Uncertain Significance.

NM_001365536.1(SCN9A):c.4687G>A (p.Val1563Met)

Genes: SCN9A (sodium voltage-gated channel alpha subunit 9; minus strand), SCN1A-AS1 (SCN1A and SCN9A antisense RNA 1; plus strand). Cytogenetic location: 2q24.3.
Variant type: single nucleotide variant.
Coding change: c.4687G>A on transcript NM_001365536.1 (MANE Select); coding-DNA position 4687, G replaced by A.
Protein change: p.Val1563Met; replaces valine 1563 with methionine.
Molecular consequence: missense variant.
Genome position (GRCh38, 1-based): chr2:166,204,042, C>T on the plus strand (G>A on the coding strand, the complement: SCN9A is on the minus strand). VCF-style: chr2-166204042-C-T. GRCh37 (hg19) VCF-style: chr2-167060552-C-T.
Other names: c.4654G>A, p.Val1552Met (NM_002977.4); short protein forms V1563M, V1552M.
Identifiers: ClinVar variation 4793626 (VCV004793626.1).